The following is an entry in ClinVar:

NM_005359.6(SMAD4):c.1448-10T>C

Gene: SMAD4 (SMAD family member 4; plus strand). Cytogenetic location: 18q21.2.
Variant type: single nucleotide variant.
Coding change: c.1448-10T>C on transcript NM_005359.6 (MANE Select); 10 bases into the intron before coding-DNA position 1448, T replaced by C.
Molecular consequence: intron variant.
Genome position (GRCh38, 1-based): chr18:51,078,246, T>C. VCF-style: chr18-51078246-T-C. GRCh37 (hg19) VCF-style: chr18-48604616-T-C.
Identifiers: ClinVar variation 460538 (VCV000460538.18), dbSNP rs1284568919, ClinGen allele CA629926713.

ClinVar aggregate classification (germline): Likely benign. Review status: criteria provided, multiple submitters, no conflicts (2 of 4 stars). 5 submissions from 5 submitters: Likely benign (5). Last evaluated 2025-12-22.

Conditions:
Juvenile polyposis syndrome (JPS). Identifiers: Orphanet 2929, MedGen C0345893, MONDO:0017380, OMIM 174900.
Hereditary cancer-predisposing syndrome. Also called: Neoplastic Syndromes, Hereditary; Hereditary Cancer Syndrome; Hereditary neoplastic syndrome; Tumor predisposition. Identifiers: Orphanet 140162, MedGen C0027672, MeSH D009386, MONDO:0015356.
Juvenile polyposis/hereditary hemorrhagic telangiectasia syndrome (JPHT). Also called: POLYPOSIS, GENERALIZED JUVENILE, WITH PULMONARY ARTERIOVENOUS MALFORMATION; TELANGIECTASIA, HEREDITARY HEMORRHAGIC, WITH JUVENILE POLYPOSIS COLI; Juvenile Polyposis Syndrome / Hereditary Hemorrhagic Telangiectasia (JPS/HHT); JP/HHT SYNDROME; JUVENILE POLYPOSIS WITH HEREDITARY HEMORRHAGIC TELANGIECTASIA. Identifiers: Orphanet 2929, MedGen C1832942, MONDO:0008278, OMIM 175050.

Allele frequency attached by ClinVar (database versions not stated): gnomAD exomes below 0.00001.
gnomAD v4.1: 2 of 1,610,038 alleles (0.00012%); highest among the groups gnomAD compares: Non-Finnish European, 0.00017%; no homozygotes.

Submissions (5):

Labcorp Genetics (formerly Invitae), Labcorp
Classification: Likely benign for Juvenile polyposis syndrome. Last evaluated: 2025-12-22. Review status: criteria provided, single submitter. Criteria: Invitae Variant Classification Sherloc (09022015). Collection method: clinical testing. Allele origin: germline.

Myriad Genetics, Inc.
Classification: Likely benign for Juvenile polyposis/hereditary hemorrhagic telangiectasia syndrome. Last evaluated: 2025-03-24. Review status: criteria provided, single submitter. Criteria: Myriad Autosomal Dominant, Autosomal Recessive and X-Linked Classification Criteria (2023). Collection method: clinical testing. Allele origin: unknown.
Comment: This variant is considered likely benign. This variant is intronic and is not expected to impact mRNA splicing.

Quest Diagnostics Nichols Institute San Juan Capistrano
Classification: Likely benign. Last evaluated: 2024-12-27. Review status: criteria provided, single submitter. Criteria: Quest Diagnostics criteria. Collection method: clinical testing. Allele origin: unknown.

GeneDx
Classification: Likely benign. Last evaluated: 2019-12-03. Review status: criteria provided, single submitter. Criteria: GeneDx Variant Classification Process June 2021. Collection method: clinical testing. Allele origin: germline. Affected: yes.

Color Diagnostics, LLC DBA Color Health
Classification: Likely benign for Hereditary cancer-predisposing syndrome. Last evaluated: 2019-01-08. Review status: criteria provided, single submitter. Criteria: ACMG Guidelines, 2015. Collection method: clinical testing. Allele origin: germline.